The following is an entry in ClinVar:

ClinVar aggregate classification (germline): Pathogenic. Review status: criteria provided, multiple submitters, no conflicts (2 of 4 stars). 3 submissions from 3 submitters: Pathogenic (3). Last evaluated 2025-01-30.

Conditions:
Finnish type amyloidosis. Also called: AMYLOID CRANIAL NEUROPATHY WITH LATTICE CORNEAL DYSTROPHY; AMYLOIDOSIS DUE TO MUTANT GELSOLIN; Lattice corneal dystrophy associated with familial systemic amyloidosis; Meretoja's syndrome; Lattice dystrophy of the cornea with hereditary generalized amyloidosis; Amyloidosis, familial, Finnish type. Identifiers: Orphanet 85448, MedGen C1622345, MONDO:0007097, OMIM 105120.
GSN-related disorder. Also called: GSN-related condition.

Submissions (3):

PreventionGenetics, part of Exact Sciences
Classification: Pathogenic for GSN-related condition. Last evaluated: 2025-01-30. Review status: criteria provided, single submitter. Criteria: ACMG Guidelines, 2015. Collection method: clinical testing. Allele origin: germline.
Comment: The GSN c.633C>A variant is predicted to result in the amino acid substitution p.Asn211Lys. This variant is also referred to as p.Asn184Lys on an alternate transcript NM_001353076.2 (Bonì et al. 2016. PubMed ID: 27633054). It has been reported in multiple individuals with nephrotic syndrome and renal amyloidosis (Efebera et al. 2014. PubMed ID: 24601799; Sethi et al. 2017. PubMed ID: 28139293). Functional studies indicate this variant impacts protein function (Bonì et al. 2016. PubMed ID: 27633054). This variant has not been reported in a large population database (gnomAD), indicating this variant is rare. This variant is interpreted as pathogenic.

Fulgent Genetics
Classification: Pathogenic for Finnish type amyloidosis. Last evaluated: 2024-04-08. Review status: criteria provided, single submitter. Criteria: ACMG Guidelines, 2015. Collection method: clinical testing. Allele origin: germline.

Labcorp Genetics (formerly Invitae), Labcorp
Classification: Pathogenic. Last evaluated: 2024-03-11. Review status: criteria provided, single submitter. Criteria: Invitae Variant Classification Sherloc (09022015). Collection method: clinical testing. Allele origin: germline.
Comment: This sequence change replaces asparagine, which is neutral and polar, with lysine, which is basic and polar, at codon 211 of the GSN protein (p.Asn211Lys). This variant is not present in population databases (gnomAD no frequency). This missense change has been observed in individuals with renal amyloidosis (PMID: 24601799, 28139293). This variant is also known as N184K. ClinVar contains an entry for this variant (Variation ID: 1457452). Advanced modeling of protein sequence and biophysical properties (such as structural, functional, and spatial information, amino acid conservation, physicochemical variation, residue mobility, and thermodynamic stability) performed at Invitae indicates that this missense variant is expected to disrupt GSN protein function with a positive predictive value of 80%. Experimental studies have shown that this missense change affects GSN function (PMID: 27633054). For these reasons, this variant has been classified as Pathogenic.

Literature cited by the submitters: PubMed 24601799 (cited by Labcorp Genetics (formerly Invitae), Labcorp); PubMed 28139293 (cited by Labcorp Genetics (formerly Invitae), Labcorp); PubMed 27633054 (cited by Labcorp Genetics (formerly Invitae), Labcorp).

NM_198252.3(GSN):c.480C>A (p.Asn160Lys)

Gene: GSN (gelsolin; plus strand). Cytogenetic location: 9q33.2.
Variant type: single nucleotide variant.
Coding change: c.480C>A on transcript NM_198252.3 (MANE Select); coding-DNA position 480, C replaced by A.
Protein change: p.Asn160Lys; replaces asparagine 160 with lysine.
Molecular consequence: missense variant. On other transcripts: 5 prime UTR variant (1).
Genome position (GRCh38, 1-based): chr9:121,310,812, C>A. VCF-style: chr9-121310812-C-A. GRCh37 (hg19) VCF-style: chr9-124073090-C-A.
Other names: c.480C>A, p.Asn160Lys (NM_001353053.1, NM_001353054.1, NM_001353055.2 and 10 more transcripts); c.513C>A, p.Asn171Lys (NM_001353072.2, NM_001353073.2, NM_001353074.2 and 13 more transcripts); c.552C>A, p.Asn184Lys (NM_001353076.2); c.-175C>A (NM_001353078.2); c.633C>A (NM_000177.4); c.633C>A, p.Asn211Lys (NM_000177.5); c.588C>A, p.Asn196Lys (NM_001127663.2); c.531C>A, p.Asn177Lys (NM_001258029.2); and 1 more; short protein forms N168K, N171K, N211K, N160K, N177K, N184K, N196K.
Identifiers: ClinVar variation 1457452 (VCV001457452.8), dbSNP rs2133433678, ClinGen allele CA374739226.